The following is an entry in ClinVar:

NM_001291303.3(FAT4):c.5900A>G (p.Asn1967Ser)

Gene: FAT4 (FAT atypical cadherin 4; plus strand). Cytogenetic location: 4q28.1.
Variant type: single nucleotide variant.
Coding change: c.5900A>G on transcript NM_001291303.3 (MANE Select); coding-DNA position 5900, A replaced by G.
Protein change: p.Asn1967Ser; replaces asparagine 1967 with serine.
Molecular consequence: missense variant.
Genome position (GRCh38, 1-based): chr4:125,408,774, A>G. VCF-style: chr4-125408774-A-G. GRCh37 (hg19) VCF-style: chr4-126329929-A-G.
Other names: c.5900A>G, p.Asn1967Ser (NM_001291285.3, NM_024582.6); c.5900A>G (NM_024582.4); short protein forms N1967S.
Identifiers: ClinVar variation 1494284 (VCV001494284.7), dbSNP rs186847381, ClinGen allele CA3072820.

ClinVar aggregate classification (germline): Uncertain significance. Review status: criteria provided, multiple submitters, no conflicts (2 of 4 stars). 2 submissions from 2 submitters: Uncertain significance (2). Last evaluated 2024-05-16.

Conditions:
Inborn genetic diseases. Identifiers: MedGen C0950123, MeSH D030342.

Allele frequency attached by ClinVar (database versions not stated): gnomAD 0.00001; gnomAD exomes 0.00001; TOPMed 0.00001; ExAC 0.00003; 1000 Genomes Project 30x 0.00031; 1000 Genomes Project 0.00040.
gnomAD v4.1: 10 of 1,535,686 alleles (0.00065%); highest among the groups gnomAD compares: African/African-American, 0.0097%; no homozygotes.

Submissions (2):

Ambry Genetics
Classification: Uncertain significance for Inborn genetic diseases. Last evaluated: 2024-05-16. Review status: criteria provided, single submitter. Criteria: Ambry Variant Classification Scheme 2023. Collection method: clinical testing. Allele origin: germline.

Labcorp Genetics (formerly Invitae), Labcorp
Classification: Uncertain significance. Last evaluated: 2022-08-31. Review status: criteria provided, single submitter. Criteria: Invitae Variant Classification Sherloc (09022015). Collection method: clinical testing. Allele origin: germline.
Comment: This sequence change replaces asparagine, which is neutral and polar, with serine, which is neutral and polar, at codon 1967 of the FAT4 protein (p.Asn1967Ser). In summary, the available evidence is currently insufficient to determine the role of this variant in disease. Therefore, it has been classified as a Variant of Uncertain Significance. Algorithms developed to predict the effect of sequence changes on RNA splicing suggest that this variant may create or strengthen a splice site. Advanced modeling of protein sequence and biophysical properties (such as structural, functional, and spatial information, amino acid conservation, physicochemical variation, residue mobility, and thermodynamic stability) performed at Invitae indicates that this missense variant is not expected to disrupt FAT4 protein function. ClinVar contains an entry for this variant (Variation ID: 1494284). This variant has not been reported in the literature in individuals affected with FAT4-related conditions. This variant is present in population databases (rs186847381, gnomAD 0.007%).